The following is an entry in ClinVar:

NM_015346.4(ZFYVE26):c.6299A>G (p.Asn2100Ser)

Gene: ZFYVE26 (zinc finger FYVE-type containing 26; minus strand). Cytogenetic location: 14q24.1.
Variant type: single nucleotide variant.
Coding change: c.6299A>G on transcript NM_015346.4 (MANE Select); coding-DNA position 6299, A replaced by G.
Protein change: p.Asn2100Ser; replaces asparagine 2100 with serine.
Molecular consequence: missense variant.
Genome position (GRCh38, 1-based): chr14:67,762,273, T>C on the plus strand (A>G on the coding strand, the complement: ZFYVE26 is on the minus strand). VCF-style: chr14-67762273-T-C. GRCh37 (hg19) VCF-style: chr14-68228990-T-C.
Other names: short protein forms N2100S.
Identifiers: ClinVar variation 384129 (VCV000384129.1), dbSNP rs1043960451, ClinGen allele CA16606866.

ClinVar aggregate classification (germline): Likely benign (1 of 4 stars; one submission).

Allele frequency attached by ClinVar (database versions not stated): gnomAD exomes 0.00001.
gnomAD v4.1: 5 of 1,614,144 alleles (0.00031%); highest among the groups gnomAD compares: South Asian, 0.0011%; no homozygotes.

Submission:

GeneDx
Classification: Likely benign. Last evaluated: 2016-03-24. Review status: criteria provided, single submitter. Criteria: GeneDx Variant Classification (06012015). Collection method: clinical testing. Allele origin: germline. Affected: yes.
Comment: This variant is considered likely benign or benign based on one or more of the following criteria: it is a conservative change, it occurs at a poorly conserved position in the protein, it is predicted to be benign by multiple in silico algorithms, and/or has population frequency not consistent with disease.